The following is an entry in ClinVar:

ClinVar aggregate classification (germline): Pathogenic (1 of 4 stars; one submission).

Conditions:
TWIST1-related craniosynostosis (CRS1). Also called: CRANIOSYNOSTOSIS 1. Identifiers: Orphanet 63440, MedGen C4551902, MONDO:0007399, OMIM 123100. Inheritance: Heterogenous inheritance pattern.
Saethre-Chotzen syndrome (SCS). Also called: ACROCEPHALY, SKULL ASYMMETRY, AND MILD SYNDACTYLY; ACS III; CHOTZEN SYNDROME. Identifiers: Orphanet 794, MedGen C0175699, MONDO:0007042, OMIM 101400.

Submission:

Labcorp Genetics (formerly Invitae), Labcorp
Classification: Pathogenic for TWIST1-related craniosynostosis; Saethre-Chotzen syndrome. Last evaluated: 2020-03-12. Review status: criteria provided, single submitter. Criteria: Invitae Variant Classification Sherloc (09022015). Collection method: clinical testing. Allele origin: germline.
Comment: This variant is not present in population databases (ExAC no frequency). This sequence change replaces leucine with arginine at codon 149 of the TWIST1 protein (p.Leu149Arg). The leucine residue is highly conserved and there is a moderate physicochemical difference between leucine and arginine. This variant has been observed in individual(s) with clinical features of TWIST1-related conditions (Invitae). In at least one individual the variant was observed to be de novo. For these reasons, this variant has been classified as Pathogenic. This variant disrupts the p.Leu149 amino acid residue in TWIST1. Other variant(s) that disrupt this residue have been observed in individuals with TWIST1-related conditions (PMID: 22982246, 9585583), which suggests that this may be a clinically significant amino acid residue. Algorithms developed to predict the effect of missense changes on protein structure and function (SIFT, PolyPhen-2, Align-GVGD) all suggest that this variant is likely to be disruptive, but these predictions have not been confirmed by published functional studies and their clinical significance is uncertain.

Literature cited by the submitters: PubMed 22982246; PubMed 9585583.

NM_000474.4(TWIST1):c.446T>G (p.Leu149Arg)

Genes: TWIST1 (twist family bHLH transcription factor 1; minus strand), LOC129998021 (ATAC-STARR-seq lymphoblastoid active region 25682; plus strand). Cytogenetic location: 7p21.1.
Variant type: single nucleotide variant.
Coding change: c.446T>G on transcript NM_000474.4 (MANE Select); coding-DNA position 446, T replaced by G.
Protein change: p.Leu149Arg; replaces leucine 149 with arginine.
Molecular consequence: missense variant. On other transcripts: non-coding transcript variant (1).
Genome position (GRCh38, 1-based): chr7:19,116,876, A>C on the plus strand (T>G on the coding strand, the complement: TWIST1 is on the minus strand). VCF-style: chr7-19116876-A-C. GRCh37 (hg19) VCF-style: chr7-19156499-A-C.
Other names: short protein forms L149R.
Identifiers: ClinVar variation 835124 (VCV000835124.10), dbSNP rs1788579980, ClinGen allele CA367015419.